The following is an entry in ClinVar:

NM_020812.4(DOCK6):c.5938_5939+1del

Gene: DOCK6 (dedicator of cytokinesis 6; minus strand). Cytogenetic location: 19p13.2.
Variant type: Microsatellite.
Coding change: c.5938_5939+1del on transcript NM_020812.4 (MANE Select); coding-DNA position 5938 through the canonical splice donor site of the intron after coding-DNA position 5939, 3 bases deleted (AAG; older notation c.5938_5939+1delAAG).
Molecular consequence: splice donor variant.
Genome position (GRCh38, 1-based): chr19:11,200,715-11,200,717, CTT deleted on the plus strand (AAG on the coding strand, the reverse complement: DOCK6 is on the minus strand); deleting any 3 consecutive bases within chr19:11,200,715-11,200,720 gives the same sequence; the c. name uses the placement nearest the transcript's 3' end. VCF-style (leftmost placement, unchanged base first): chr19-11200714-ACTT-A. GRCh37 (hg19) VCF-style: chr19-11311390-ACTT-A.
Other names: c.6043_6044+1del (NM_001367830.1).
Identifiers: ClinVar variation 4055943 (VCV004055943.1).

ClinVar aggregate classification (germline): Uncertain significance (1 of 4 stars; one submission).

Submission:

GeneDx
Classification: Uncertain significance. Last evaluated: 2025-01-03. Review status: criteria provided, single submitter. Criteria: GeneDx Variant Classification Process June 2021. Collection method: clinical testing. Allele origin: germline. Affected: yes.
Comment: Canonical splice site variant with an unclear effect on protein function; Not observed at significant frequency in large population cohorts (gnomAD); Has not been previously published as pathogenic or benign to our knowledge